The following is an entry in ClinVar:

NM_000193.4(SHH):c.1348G>A (p.Glu450Lys)

Gene: SHH (sonic hedgehog signaling molecule; minus strand). Cytogenetic location: 7q36.3.
Variant type: single nucleotide variant.
Coding change: c.1348G>A on transcript NM_000193.4 (MANE Select); coding-DNA position 1348, G replaced by A.
Protein change: p.Glu450Lys; replaces glutamic acid 450 with lysine.
Molecular consequence: missense variant. On other transcripts: intron variant (1).
Genome position (GRCh38, 1-based): chr7:155,802,941, C>T on the plus strand (G>A on the coding strand, the complement: SHH is on the minus strand). VCF-style: chr7-155802941-C-T. GRCh37 (hg19) VCF-style: chr7-155595635-C-T.
Other names: c.302-2696G>A (NM_001310462.2); short protein forms E450K.
Identifiers: ClinVar variation 5001525 (VCV005001525.1).

ClinVar aggregate classification (germline): Uncertain significance (1 of 4 stars; one submission).

Conditions:
SHH-related disorder. Also called: SHH-related disorders; SHH-related condition.

gnomAD v4.1: 1 of 1,526,266 alleles (0.000066%); highest among the groups gnomAD compares: Non-Finnish European, 0.000088%; no homozygotes.

Submission:

PreventionGenetics, part of Exact Sciences
Classification: Uncertain significance for SHH-related condition. Last evaluated: 2025-08-07. Review status: criteria provided, single submitter. Criteria: ACMG Guidelines, 2015. Collection method: clinical testing. Allele origin: germline.
Comment: The SHH c.1348G>A variant is predicted to result in the amino acid substitution p.Glu450Lys. To our knowledge, this variant has not been reported in the literature or in a large population database (gnomAD), indicating this variant is rare. At this time, the clinical significance of this variant is uncertain due to the absence of conclusive functional and genetic evidence.